The following is an entry in ClinVar:

ClinVar aggregate classification (germline): Uncertain significance. Review status: criteria provided, multiple submitters, no conflicts (2 of 4 stars). 2 submissions from 2 submitters: Uncertain significance (2). Last evaluated 2024-04-18.

Conditions:
Mitochondrial complex I deficiency, nuclear type 30. Also called: Mitochondrial complex 1 deficiency, nuclear type 30. Identifiers: MedGen C4746985, MONDO:0026721, OMIM 301021.
Inborn genetic diseases. Identifiers: MedGen C0950123, MeSH D030342.

Allele frequency attached by ClinVar (database versions not stated): gnomAD exomes 0.00001; gnomAD 0.00002; TOPMed 0.00006; ESP Exome Variant Server 0.00009.

Submissions (2):

Ambry Genetics
Classification: Uncertain significance for Inborn genetic diseases. Last evaluated: 2024-04-18. Review status: criteria provided, single submitter. Criteria: Ambry Variant Classification Scheme 2023. Collection method: clinical testing. Allele origin: germline.

Johns Hopkins Genomics, Johns Hopkins University
Classification: Uncertain significance for Mitochondrial complex I deficiency, nuclear type 30. Last evaluated: 2019-06-13. Review status: criteria provided, single submitter. Criteria: ACMG Guidelines, 2015. Collection method: clinical testing. Allele origin: germline.
Comment: This NDUFB11 variant has not been reported in ClinVar nor the literature, to our knowledge. Additionally, this variant (rs374083393) is rare (<0.1%) in a large population dataset (gnomAD: 1/201877 total alleles; 0.0004945%; no homozygotes; no hemizygotes). Two bioinformatic tool queried predict that this substitution would be probably damaging, and the aspartic acid residue at this position is evolutionarily conserved across all species assessed. Bioinformatic analysis predicts that this missense variant would not affect normal exon 3 splicing, although this has not been confirmed experimentally to our knowledge. The clinical significance of c.457G>A is uncertain at this time.

NM_001135998.3(NDUFB11):c.427G>A (p.Asp143Asn)

Gene: NDUFB11 (NADH:ubiquinone oxidoreductase subunit B11; minus strand). Cytogenetic location: Xp11.3.
Variant type: single nucleotide variant.
Coding change: c.427G>A on transcript NM_001135998.3 (MANE Select); coding-DNA position 427, G replaced by A.
Protein change: p.Asp143Asn; replaces aspartic acid 143 with asparagine.
Molecular consequence: missense variant.
Genome position (GRCh38, 1-based): chrX:47,142,352, C>T on the plus strand (G>A on the coding strand, the complement: NDUFB11 is on the minus strand). VCF-style: chrX-47142352-C-T. GRCh37 (hg19) VCF-style: chrX-47001751-C-T.
Other names: c.457G>A (NM_019056.5); c.457G>A, p.Asp153Asn (NM_019056.7); short protein forms D143N, D153N.
Identifiers: ClinVar variation 689468 (VCV000689468.2), dbSNP rs374083393, ClinGen allele CA329034767.